The following is an entry in ClinVar:

ClinVar aggregate classification (germline): Uncertain significance (1 of 4 stars; one submission).

gnomAD v4.1: 1 of 1,614,266 alleles (0.000062%); highest among the groups gnomAD compares: Admixed American, 0.0017%; no homozygotes.

Submission:

Labcorp Genetics (formerly Invitae), Labcorp
Classification: Uncertain significance. Last evaluated: 2025-06-16. Review status: criteria provided, single submitter. Criteria: Invitae Variant Classification Sherloc (09022015). Collection method: clinical testing. Allele origin: germline.
Comment: This sequence change replaces threonine, which is neutral and polar, with isoleucine, which is neutral and non-polar, at codon 206 of the ZMIZ1 protein (p.Thr206Ile). This variant is present in population databases (rs768565953, gnomAD 0.003%). This variant has not been reported in the literature in individuals affected with ZMIZ1-related conditions. ClinVar contains an entry for this variant (Variation ID: 3697715). Invitae Evidence Modeling of protein sequence and biophysical properties (such as structural, functional, and spatial information, amino acid conservation, physicochemical variation, residue mobility, and thermodynamic stability) indicates that this missense variant is not expected to disrupt ZMIZ1 protein function with a negative predictive value of 95%. In summary, the available evidence is currently insufficient to determine the role of this variant in disease. Therefore, it has been classified as a Variant of Uncertain Significance.

NM_020338.4(ZMIZ1):c.617C>T (p.Thr206Ile)

Gene: ZMIZ1 (zinc finger MIZ-type containing 1; plus strand). Cytogenetic location: 10q22.3.
Variant type: single nucleotide variant.
Coding change: c.617C>T on transcript NM_020338.4 (MANE Select); coding-DNA position 617, C replaced by T.
Protein change: p.Thr206Ile; replaces threonine 206 with isoleucine.
Molecular consequence: missense variant.
Genome position (GRCh38, 1-based): chr10:79,291,035, C>T. VCF-style: chr10-79291035-C-T. GRCh37 (hg19) VCF-style: chr10-81050792-C-T.
Other names: short protein forms T206I.
Identifiers: ClinVar variation 3697715 (VCV003697715.2).
Genomic context (GRCh38, chr10:79,291,035, plus strand): 5'-TGGCCAATGCCAACAACCCCATGAATCCAGGCGGCAACCCCATGGCGTCGGGCATGACCA[C>T]CAGCAACCCAGGCCTCAACTCCCCACAGTTTGCGGGGCAGCAGCAGCAGTTCTCAGCCAA-3'
Protein context (NP_065071.1, residues 196-216): GGNPMASGMT[Thr206Ile]SNPGLNSPQF